The following is an entry in ClinVar:

NM_000276.4(OCRL):c.2281A>C (p.Met761Leu)

Gene: OCRL (OCRL inositol polyphosphate-5-phosphatase; plus strand). Cytogenetic location: Xq26.1.
Variant type: single nucleotide variant.
Coding change: c.2281A>C on transcript NM_000276.4 (MANE Select); coding-DNA position 2281, A replaced by C.
Protein change: p.Met761Leu; replaces methionine 761 with leucine.
Molecular consequence: missense variant.
Genome position (GRCh38, 1-based): chrX:129,588,203, A>C. VCF-style: chrX-129588203-A-C. GRCh37 (hg19) VCF-style: chrX-128722180-A-C.
Other names: c.2284A>C, p.Met762Leu (NM_001318784.2); c.2257A>C, p.Met753Leu (NM_001587.4); short protein forms M761L, M753L, M762L.
Identifiers: ClinVar variation 3640996 (VCV003640996.2).
Genomic context (GRCh38, chrX:129,588,203, plus strand): 5'-ATCTTGCCTGTCCCTTCATTCTGACTTCTTTGGTAGGAGGACCTGTTCCAGACCCCTGGA[A>C]TGCAGGAAGAGCTCCAGCAGATCATTGATTGTCTGGATACCAGCATTCCTGAGACAATCC-3'
Protein context (NP_000267.2, residues 751-771): HQEDLFQTPG[Met761Leu]QEELQQIIDC

ClinVar aggregate classification (germline): Uncertain significance (1 of 4 stars; one submission).

Conditions:
Lowe syndrome (OCRL). Also called: LOWE OCULOCEREBRORENAL SYNDROME; PHOSPHATIDYLINOSITOL 4,5-BISPHOSPHATE 5-PHOSPHATASE DEFICIENCY; Oculocerebrorenal Syndrome. Identifiers: Orphanet 534, MedGen C0028860, MONDO:0010645, OMIM 309000.

Submission:

Labcorp Genetics (formerly Invitae), Labcorp
Classification: Uncertain significance for Lowe syndrome. Last evaluated: 2025-06-12. Review status: criteria provided, single submitter. Criteria: Invitae Variant Classification Sherloc (09022015). Collection method: clinical testing. Allele origin: germline.
Comment: This sequence change replaces methionine, which is neutral and non-polar, with leucine, which is neutral and non-polar, at codon 761 of the OCRL protein (p.Met761Leu). This variant is not present in population databases (gnomAD no frequency). This variant has not been reported in the literature in individuals affected with OCRL-related conditions. ClinVar contains an entry for this variant (Variation ID: 3640996). Invitae Evidence Modeling of protein sequence and biophysical properties (such as structural, functional, and spatial information, amino acid conservation, physicochemical variation, residue mobility, and thermodynamic stability) indicates that this missense variant is not expected to disrupt OCRL protein function with a negative predictive value of 80%. In summary, the available evidence is currently insufficient to determine the role of this variant in disease. Therefore, it has been classified as a Variant of Uncertain Significance.